The following is an entry in ClinVar:

ClinVar aggregate classification (germline): Uncertain significance (1 of 4 stars; one submission).

Conditions:
Cystic fibrosis (CF). Also called: MUCOVISCIDOSIS. Identifiers: Orphanet 586, MedGen C0010674, MONDO:0009061, OMIM 219700. Disease mechanism: loss of function.

Allele frequency attached by ClinVar (database versions not stated): gnomAD exomes below 0.00001.
gnomAD v4.1: 1 of 1,614,026 alleles (0.000062%); highest among the groups gnomAD compares: Non-Finnish European, 0.000085%; no homozygotes.

Submission:

Ambry Genetics
Classification: Uncertain significance for Cystic fibrosis. Last evaluated: 2024-01-31. Review status: criteria provided, single submitter. Criteria: Ambry Variant Classification Scheme 2023. Collection method: clinical testing. Allele origin: germline.
Comment: The p.F1437L variant (also known as c.4311C>G), located in coding exon 27 of the CFTR gene, results from a C to G substitution at nucleotide position 4311. The phenylalanine at codon 1437 is replaced by leucine, an amino acid with highly similar properties. This amino acid position is conserved. In addition, the in silico prediction for this alteration is inconclusive. Based on the available evidence, the clinical significance of this alteration remains unclear.

NM_000492.4(CFTR):c.4311C>G (p.Phe1437Leu)

Genes: CFTR (CF transmembrane conductance regulator; plus strand), LOC111674477 (CFTR intron 23 enhancer; plus strand). Cytogenetic location: 7q31.2.
Variant type: single nucleotide variant.
Coding change: c.4311C>G on transcript NM_000492.4 (MANE Select); coding-DNA position 4311, C replaced by G.
Protein change: p.Phe1437Leu; replaces phenylalanine 1437 with leucine.
Molecular consequence: missense variant.
Genome position (GRCh38, 1-based): chr7:117,666,976, C>G. VCF-style: chr7-117666976-C-G. GRCh37 (hg19) VCF-style: chr7-117307030-C-G.
Other names: short protein forms F1437L.
Identifiers: ClinVar variation 3231919 (VCV003231919.1), dbSNP rs2485185625, ClinGen allele CA368984739.